The following is an entry in ClinVar:

NM_177438.3(DICER1):c.2016C>T (p.Asn672=)

Gene: DICER1 (dicer 1, ribonuclease III; minus strand). Cytogenetic location: 14q32.13.
Variant type: single nucleotide variant.
Coding change: c.2016C>T on transcript NM_177438.3 (MANE Select); coding-DNA position 2016, C replaced by T.
Protein change: p.Asn672=; no amino-acid change (asparagine 672 retained).
Molecular consequence: synonymous variant.
Genome position (GRCh38, 1-based): chr14:95,113,116, G>A on the plus strand (C>T on the coding strand, the complement: DICER1 is on the minus strand). VCF-style: chr14-95113116-G-A. GRCh37 (hg19) VCF-style: chr14-95579453-G-A.
Other names: c.2016C>T, p.Asn672= (NM_001195573.1, NM_001271282.3, NM_001291628.2 and 1 more transcripts).
Identifiers: ClinVar variation 1144366 (VCV001144366.13), dbSNP rs748905178, ClinGen allele CA487629959.

ClinVar aggregate classification (germline): Benign/Likely benign. Review status: criteria provided, multiple submitters, no conflicts (2 of 4 stars). 3 submissions from 3 submitters: Benign (1); Likely benign (2). Last evaluated 2026-04-16.

Conditions:
DICER1-related tumor predisposition. Also called: DICER1 syndrome; DICER1-related pleuropulmonary blastoma cancer predisposition syndrome. Identifiers: Orphanet 284343, MedGen C3839822, MONDO:0100216.
Hereditary cancer-predisposing syndrome. Also called: Neoplastic Syndromes, Hereditary; Tumor predisposition; Hereditary Cancer Syndrome; Hereditary neoplastic syndrome. Identifiers: Orphanet 140162, MedGen C0027672, MeSH D009386, MONDO:0015356.

Allele frequency attached by ClinVar (database versions not stated): TOPMed below 0.00001; gnomAD exomes below 0.00001.
gnomAD v4.1: 1 of 1,613,870 alleles (0.000062%); highest among the groups gnomAD compares: East Asian, 0.0022%; no homozygotes.

Submissions (3):

Myriad Genetics, Inc.
Classification: Benign for DICER1-related tumor predisposition. Last evaluated: 2026-04-16. Review status: criteria provided, single submitter. Criteria: Myriad Autosomal Dominant, Autosomal Recessive and X-Linked Classification Criteria (2023). Collection method: clinical testing. Allele origin: unknown.
Comment: This variant is considered benign. This variant is a silent/synonymous amino acid change and it is not expected to impact splicing.

Labcorp Genetics (formerly Invitae), Labcorp
Classification: Likely benign for DICER1-related tumor predisposition. Last evaluated: 2024-09-14. Review status: criteria provided, single submitter. Criteria: Invitae Variant Classification Sherloc (09022015). Collection method: clinical testing. Allele origin: germline.

Ambry Genetics
Classification: Likely benign for Hereditary cancer-predisposing syndrome. Last evaluated: 2022-05-12. Review status: criteria provided, single submitter. Criteria: Ambry Variant Classification Scheme 2023. Collection method: clinical testing. Allele origin: germline.